The following is an entry in ClinVar:

NM_020312.4(COQ9):c.522-15_522-11del

Gene: COQ9 (coenzyme Q9; plus strand). Cytogenetic location: 16q21.
Variant type: Microsatellite.
Coding change: c.522-15_522-11del on transcript NM_020312.4 (MANE Select); 15 bases into the intron before coding-DNA position 522 through 11 bases into the intron before coding-DNA position 522, 5 bases deleted (TTTTC; older notation c.522-15_522-11delTTTTC).
Molecular consequence: intron variant.
Genome position (GRCh38, 1-based): chr16:57,456,916-57,456,920, TTTTC deleted; deleting any 5 consecutive bases within chr16:57,456,911-57,456,920 gives the same sequence; the c. name uses the placement nearest the transcript's 3' end. VCF-style (leftmost placement, unchanged base first): chr16-57456910-GTTTTC-G. GRCh37 (hg19) VCF-style: chr16-57490822-GTTTTC-G.
Identifiers: ClinVar variation 2130830 (VCV002130830.4), dbSNP rs761557758, ClinGen allele CA8076251.

ClinVar aggregate classification (germline): Uncertain significance (1 of 4 stars; one submission).

Submission:

Labcorp Genetics (formerly Invitae), Labcorp
Classification: Uncertain significance. Last evaluated: 2022-04-26. Review status: criteria provided, single submitter. Criteria: Invitae Variant Classification Sherloc (09022015). Collection method: clinical testing. Allele origin: germline.
Comment: In summary, the available evidence is currently insufficient to determine the role of this variant in disease. Therefore, it has been classified as a Variant of Uncertain Significance. Algorithms developed to predict the effect of sequence changes on RNA splicing suggest that this variant may disrupt the consensus splice site. This variant has not been reported in the literature in individuals affected with COQ9-related conditions. This variant is not present in population databases (gnomAD no frequency). This sequence change falls in intron 4 of the COQ9 gene. It does not directly change the encoded amino acid sequence of the COQ9 protein.